The following is an entry in ClinVar:

NM_053025.4(MYLK):c.4289-5C>A

Gene: MYLK (myosin light chain kinase; minus strand). Cytogenetic location: 3q21.1.
Variant type: single nucleotide variant.
Coding change: c.4289-5C>A on transcript NM_053025.4 (MANE Select); 5 bases into the intron before coding-DNA position 4289, C replaced by A.
Molecular consequence: intron variant.
Genome position (GRCh38, 1-based): chr3:123,649,199, G>T on the plus strand (C>A on the coding strand, the complement: MYLK is on the minus strand). VCF-style: chr3-123649199-G-T. GRCh37 (hg19) VCF-style: chr3-123368046-G-T.
Other names: c.3761-5C>A (NM_001321309.2); c.4082-5C>A (NM_053028.4, NM_053026.4); c.4289-5C>A (NM_053027.4, NM_053025.3).
Identifiers: ClinVar variation 493370 (VCV000493370.52), dbSNP rs558865554, ClinGen allele CA071280.
Genomic context (GRCh38, chr3:123,649,199, plus strand): 5'-CCGAAGACAGGGGCTGCACTCACCATCATCTGACACCTCCACTTCATCCTTCGGCTCTGG[G>T]GGGGGCACAAGGAAGGACAGAGAGGACACAGGTGATTAGTACTGAAGGCCCACTGAGAGC-3'

ClinVar aggregate classification (germline): Conflicting classifications of pathogenicity. Review status: criteria provided, conflicting classifications (1 of 4 stars). 4 submissions from 4 submitters: Uncertain significance (2); Likely benign (2). Last evaluated 2024-08-08.

Conditions:
Aortic aneurysm, familial thoracic 7 (AAT7). Also called: AORTIC DISSECTION, FAMILIAL, WITH OR WITHOUT AORTIC ANEURYSM. Identifiers: MedGen C3151077, MONDO:0013418, OMIM 613780.
Familial thoracic aortic aneurysm and aortic dissection (TAAD). Also called: Thoracic aortic aneurysms and dissections. Identifiers: Orphanet 91387, MedGen C4707243, MONDO:0019625.

Allele frequency attached by ClinVar (database versions not stated): TOPMed 0.00003; gnomAD 0.00006.
gnomAD v4.1: 50 of 1,612,300 alleles (0.0031%); highest among the groups gnomAD compares: Non-Finnish European, 0.0041%; no homozygotes.

Submissions (4):

Labcorp Genetics (formerly Invitae), Labcorp
Classification: Likely benign for Aortic aneurysm, familial thoracic 7. Last evaluated: 2024-08-08. Review status: criteria provided, single submitter. Criteria: Invitae Variant Classification Sherloc (09022015). Collection method: clinical testing. Allele origin: germline.

Ambry Genetics
Classification: Uncertain significance for Familial thoracic aortic aneurysm and aortic dissection. Last evaluated: 2024-05-07. Review status: criteria provided, single submitter. Criteria: Ambry Variant Classification Scheme 2023. Collection method: clinical testing. Allele origin: germline.
Comment: The c.4289-5C>A intronic variant results from a C to A substitution 5 nucleotides upstream from coding exon 22 in the MYLK gene. This nucleotide position is well conserved in available vertebrate species. In silico splice site analysis predicts that this alteration will not have any significant effect on splicing. Based on the available evidence, the clinical significance of this variant remains unclear.

CeGaT Center for Human Genetics Tuebingen
Classification: Uncertain significance. Last evaluated: 2023-09-01. Review status: criteria provided, single submitter. Criteria: CeGaT Center For Human Genetics Tuebingen Variant Classification Criteria Version 2. Collection method: clinical testing. Allele origin: germline. Affected: yes. Observed: 1 variant allele.
Comment: MYLK: PM2, BP4

Blueprint Genetics
Classification: Likely benign. Last evaluated: 2023-05-02. Review status: criteria provided, single submitter. Criteria: ACMG Guidelines, 2015. Collection method: clinical testing. Allele origin: germline.